The following is an entry in ClinVar:

ClinVar aggregate classification (germline): Likely pathogenic (1 of 4 stars; one submission).

Conditions:
Clark-Baraitser syndrome. Also called: BARAITSER SYNDROME; Mental retardation, tall stature, obesity, macrocephaly and typical facial features; Intellectual disability, autosomal dominant 49; MENTAL RETARDATION, AUTOSOMAL DOMINANT 49. Identifiers: Orphanet 600731, MedGen C2931130, MONDO:0030914, OMIM 617752.

Submission:

MVZ Medizinische Genetik Mainz
Classification: Likely pathogenic for Clark-Baraitser syndrome. Last evaluated: 2022-01-27. Review status: criteria provided, single submitter. Criteria: UK Practice Guidelines For Variant Classification V4 01 2020. Collection method: clinical testing. Allele origin: germline. Inheritance: Autosomal dominant inheritance. Affected: yes. Observed: 1 variant allele.
Comment: ACMG Criteria: PM6, PM1_SUP, PM2_SUP, PP2, PP3 (ACMG Version 3)

NM_001348323.3(TRIP12):c.5114C>T (p.Pro1705Leu)

Gene: TRIP12 (thyroid hormone receptor interactor 12; minus strand). Cytogenetic location: 2q36.3.
Variant type: single nucleotide variant.
Coding change: c.5114C>T on transcript NM_001348323.3 (MANE Select); coding-DNA position 5114, C replaced by T.
Protein change: p.Pro1705Leu; replaces proline 1705 with leucine.
Molecular consequence: missense variant.
Genome position (GRCh38, 1-based): chr2:229,778,971, G>A on the plus strand (C>T on the coding strand, the complement: TRIP12 is on the minus strand). VCF-style: chr2-229778971-G-A. GRCh37 (hg19) VCF-style: chr2-230643687-G-A.
Other names: c.5033C>T, p.Pro1678Leu (NM_001284214.2, NM_001348315.2); c.4988C>T, p.Pro1663Leu (NM_001284215.2, NM_001348316.2); c.4079C>T, p.Pro1360Leu (NM_001284216.2); c.4973C>T, p.Pro1658Leu (NM_001348317.1, NM_001348318.2); c.5099C>T, p.Pro1700Leu (NM_001348319.1, NM_001348320.2); c.5102C>T, p.Pro1701Leu (NM_001348321.1); c.5114C>T, p.Pro1705Leu (NM_001348322.1, NM_001348324.2, NM_001348325.2 and 2 more transcripts); c.5117C>T, p.Pro1706Leu (NM_001348328.1, NM_001348329.2, NM_001348330.2); and 4 more; short protein forms P1360L, P1630L, P1631L, P1658L, P1663L, P1671L, P1678L, P1679L.
Identifiers: ClinVar variation 3066118 (VCV003066118.1), dbSNP rs2470377269, ClinGen allele CA350889532.
Genomic context (GRCh38, chr2:229,778,971, plus strand): 5'-CAAAGACCCAAGTCAGCTCTCTGTAGTTCCTGAGATACAAGCGCATAAAACTCCAGTGTA[G>A]GCCCAAGACCTGTACCAACCTACAGAAGAACACAAGTAGAACGATTTCAAATTTTAAGAA-3'
Protein context (NP_001335252.1, residues 1695-1715): YENEVGTGLG[Pro1705Leu]TLEFYALVSQ